The following is an entry in ClinVar:

NM_001378609.3(OTOGL):c.95C>T (p.Ser32Leu)

Gene: OTOGL (otogelin like; plus strand). Cytogenetic location: 12q21.31.
Variant type: single nucleotide variant.
Coding change: c.95C>T on transcript NM_001378609.3 (MANE Select); coding-DNA position 95, C replaced by T.
Protein change: p.Ser32Leu; replaces serine 32 with leucine.
Molecular consequence: missense variant.
Genome position (GRCh38, 1-based): chr12:80,210,862, C>T. VCF-style: chr12-80210862-C-T. GRCh37 (hg19) VCF-style: chr12-80604642-C-T.
Other names: c.95C>T, p.Ser32Leu (NM_001368062.3, NM_001378610.3, NM_173591.7); c.68C>T (NM_173591.3); short protein forms S32L.
Identifiers: ClinVar variation 1519086 (VCV001519086.6), dbSNP rs760011677, ClinGen allele CA6700047.

ClinVar aggregate classification (germline): Uncertain significance. Review status: criteria provided, multiple submitters, no conflicts (2 of 4 stars). 5 submissions from 5 submitters: Uncertain significance (5). Last evaluated 2024-04-24.

Conditions:
Autosomal recessive nonsyndromic hearing loss 84B. Also called: Deafness, autosomal recessive 84b. Identifiers: Orphanet 90636, MedGen C3554159, MONDO:0013984, OMIM 614944.
Inborn genetic diseases. Identifiers: MedGen C0950123, MeSH D030342.

Allele frequency attached by ClinVar (database versions not stated): ExAC 0.00008; gnomAD exomes 0.00013; gnomAD 0.00014 and 0.00016; TOPMed 0.00015.
gnomAD v4.1: 299 of 1,472,380 alleles (0.02%); highest among the groups gnomAD compares: Middle Eastern, 0.034%; no homozygotes.

Submissions (5):

Blueprint Genetics
Classification: Uncertain significance. Last evaluated: 2024-04-24. Review status: criteria provided, single submitter. Criteria: ACMG Guidelines, 2015. Collection method: clinical testing. Allele origin: germline.

Ambry Genetics
Classification: Uncertain significance for Inborn genetic diseases. Last evaluated: 2023-12-15. Review status: criteria provided, single submitter. Criteria: Ambry Variant Classification Scheme 2023. Collection method: clinical testing. Allele origin: germline.

Pittsburgh Clinical Genomics Laboratory, University of Pittsburgh Medical Center
Classification: Uncertain significance for Autosomal recessive nonsyndromic hearing loss 84B. Last evaluated: 2023-09-07. Review status: criteria provided, single submitter. Criteria: ACMG Guidelines, 2015. Collection method: clinical testing. Allele origin: germline. Inheritance: Autosomal recessive inheritance. Affected: yes.
Comment: This sequence variant is a single nucleotide substitution (C>T) at position 68 of the coding sequence of the OTOGL gene that results in a serine to leucine amino acid change at residue 23 of the otogelin like protein. This is a previously reported variant (ClinVar 1519086) that has not been observed in individuals affected an OTOGL-related disorder in the published literature, to our knowledge. This variant is present in 20 of 141140 alleles (0.0142%) in the gnomAD population dataset. Multiple bioinformatic tools predict that this serine to leucine amino acid change would be neutral, and the serine residue at this position is highly conserved across the vertebrate species examined. Studies examining the functiol consequence of this variant have not been published, to our knowledge. At this time, there is insufficient evidence to determine if this variant is pathogenic or benign. Therefore, we consider this a variant of uncertain significance. ACMG Criteria: BP1, BP4

GeneDx
Classification: Uncertain significance. Last evaluated: 2023-06-26. Review status: criteria provided, single submitter. Criteria: GeneDx Variant Classification Process June 2021. Collection method: clinical testing. Allele origin: germline. Affected: yes.
Comment: In silico analysis supports that this missense variant does not alter protein structure/function; In silico analysis is inconclusive as to whether the variant alters gene splicing. In the absence of RNA/functional studies, the actual effect of this sequence change is unknown.; Has not been previously published as pathogenic or benign to our knowledge

Labcorp Genetics (formerly Invitae), Labcorp
Classification: Uncertain significance. Last evaluated: 2022-10-13. Review status: criteria provided, single submitter. Criteria: Invitae Variant Classification Sherloc (09022015). Collection method: clinical testing. Allele origin: germline.
Comment: This sequence change replaces serine, which is neutral and polar, with leucine, which is neutral and non-polar, at codon 23 of the OTOGL protein (p.Ser23Leu). This variant is present in population databases (rs760011677, gnomAD 0.03%). This variant has not been reported in the literature in individuals affected with OTOGL-related conditions. ClinVar contains an entry for this variant (Variation ID: 1519086). Algorithms developed to predict the effect of missense changes on protein structure and function (SIFT, PolyPhen-2, Align-GVGD) all suggest that this variant is likely to be tolerated. Algorithms developed to predict the effect of sequence changes on RNA splicing suggest that this variant may disrupt the consensus splice site. In summary, the available evidence is currently insufficient to determine the role of this variant in disease. Therefore, it has been classified as a Variant of Uncertain Significance.